The following is an entry in ClinVar:

NM_024685.4(BBS10):c.1338T>C (p.Phe446=)

Gene: BBS10 (Bardet-Biedl syndrome 10; minus strand). Cytogenetic location: 12q21.2.
Variant type: single nucleotide variant.
Coding change: c.1338T>C on transcript NM_024685.4 (MANE Select); coding-DNA position 1338, T replaced by C.
Protein change: p.Phe446=; no amino-acid change (phenylalanine 446 retained).
Molecular consequence: synonymous variant.
Genome position (GRCh38, 1-based): chr12:76,346,647, A>G on the plus strand (T>C on the coding strand, the complement: BBS10 is on the minus strand). VCF-style: chr12-76346647-A-G. GRCh37 (hg19) VCF-style: chr12-76740427-A-G.
Other names: c.1338T>C (NM_024685.3).
Identifiers: ClinVar variation 1082453 (VCV001082453.10), dbSNP rs941842098, ClinGen allele CA239331884.
Genomic context (GRCh38, chr12:76,346,647, plus strand): 5'-TTGTATTGAGCCATTACCAGGATCTGGTGCTTGATAACTTTCTCCACTGTTCTTATAAAT[A>G]AAAAGACTTGAAGTGCCATTTTGGTCATTGGTTTGTGTCATGTAATTTAGATCAAGGTCT-3'
Protein context (NP_078961.3, residues 436-456): TNDQNGTSSL[Phe446=]IYKNSGESYQ

ClinVar aggregate classification (germline): Likely benign. Review status: criteria provided, multiple submitters, no conflicts (2 of 4 stars). 2 submissions from 2 submitters: Likely benign (2). Last evaluated 2025-08-04.

Conditions:
BBS10-related disorder. Also called: BBS10-related condition.
Bardet-Biedl syndrome (BBS). Identifiers: Orphanet 110, MedGen C0752166, MONDO:0015229.

Allele frequency attached by ClinVar (database versions not stated): gnomAD exomes below 0.00001; TOPMed below 0.00001; gnomAD 0.00001.
gnomAD v4.1: 3 of 1,613,904 alleles (0.00019%); highest among the groups gnomAD compares: Non-Finnish European, 0.00017%; no homozygotes.

Submissions (2):

PreventionGenetics, part of Exact Sciences
Classification: Likely benign for BBS10-related condition. Last evaluated: 2025-08-04. Review status: criteria provided, single submitter. Criteria: ACMG Guidelines, 2015. Collection method: clinical testing. Allele origin: germline.
Comment: This variant is classified as likely benign based on ACMG/AMP sequence variant interpretation guidelines (Richards et al. 2015 PMID: 25741868, with internal and published modifications).

Labcorp Genetics (formerly Invitae), Labcorp
Classification: Likely benign for Bardet-Biedl syndrome. Last evaluated: 2024-02-16. Review status: criteria provided, single submitter. Criteria: Invitae Variant Classification Sherloc (09022015). Collection method: clinical testing. Allele origin: germline.